The following is an entry in ClinVar:

NM_001387430.1(SH2B1):c.244C>T (p.Arg82Trp)

Gene: SH2B1 (SH2B adaptor protein 1; plus strand). Cytogenetic location: 16p11.2.
Variant type: single nucleotide variant.
Coding change: c.244C>T on transcript NM_001387430.1 (MANE Select); coding-DNA position 244, C replaced by T.
Protein change: p.Arg82Trp; replaces arginine 82 with tryptophan.
Molecular consequence: missense variant. On other transcripts: intron variant (1).
Genome position (GRCh38, 1-based): chr16:28,866,338, C>T. VCF-style: chr16-28866338-C-T. GRCh37 (hg19) VCF-style: chr16-28877659-C-T.
Other names: c.244C>T, p.Arg82Trp (NM_001145795.2, NM_001145796.2, NM_001145797.2 and 4 more transcripts); c.-26-1036C>T (NM_001308294.2); short protein forms R82W.
Identifiers: ClinVar variation 2632010 (VCV002632010.5), dbSNP rs375583410, ClinGen allele CA395422194.

ClinVar aggregate classification (germline): Uncertain significance. Review status: criteria provided, multiple submitters, no conflicts (2 of 4 stars). 4 submissions from 4 submitters: Uncertain significance (3). 1 of the submissions does not count toward it. Last evaluated 2025-08-22.

Conditions:
SH2B1-related disorder. Also called: SH2B1-related condition.

gnomAD v4.1: 10 of 1,612,302 alleles (0.00062%); highest among the groups gnomAD compares: Middle Eastern, 0.016%; no homozygotes.

Submissions (4):

Labcorp Genetics (formerly Invitae), Labcorp
Classification: Uncertain significance. Last evaluated: 2025-08-22. Review status: criteria provided, single submitter. Criteria: Invitae Variant Classification Sherloc (09022015). Collection method: clinical testing. Allele origin: germline.
Comment: This sequence change replaces arginine, which is basic and polar, with tryptophan, which is neutral and slightly polar, at codon 82 of the SH2B1 protein (p.Arg82Trp). This variant is present in population databases (no rsID available, gnomAD 0.0008%). This variant has not been reported in the literature in individuals affected with SH2B1-related conditions. ClinVar contains an entry for this variant (Variation ID: 2632010). An algorithm developed to predict the effect of missense changes on protein structure and function (PolyPhen-2) suggests that this variant is likely to be disruptive. In summary, the available evidence is currently insufficient to determine the role of this variant in disease. Therefore, it has been classified as a Variant of Uncertain Significance.

Ambry Genetics
Classification: Uncertain significance. Last evaluated: 2024-08-01. Review status: criteria provided, single submitter. Criteria: Ambry Variant Classification Scheme 2023. Collection method: clinical testing. Allele origin: germline.

Blueprint Genetics
Classification: Uncertain significance. Last evaluated: 2020-02-21. Review status: criteria provided, single submitter. Criteria: ACMG Guidelines, 2015. Collection method: clinical testing. Allele origin: germline.

PreventionGenetics, part of Exact Sciences
Classification: Uncertain significance for SH2B1-related condition. Last evaluated: 2024-05-17. Review status: no assertion criteria provided. Collection method: clinical testing. Allele origin: germline. Not counted in ClinVar's aggregate classification.
Comment: The SH2B1 c.244C>T variant is predicted to result in the amino acid substitution p.Arg82Trp. To our knowledge, this variant has not been reported in the literature. This variant is reported in 0.00079% of alleles in individuals of European (Non-Finnish) descent in gnomAD. At this time, the clinical significance of this variant is uncertain due to the absence of conclusive functional and genetic evidence.